The following is an entry in ClinVar:

NM_000051.4(ATM):c.6975+6T>C

Genes: ATM (ATM serine/threonine kinase; plus strand), C11orf65 (chromosome 11 open reading frame 65; minus strand). Cytogenetic location: 11q22.3.
Variant type: single nucleotide variant.
Coding change: c.6975+6T>C on transcript NM_000051.4 (MANE Select); 6 bases into the intron after coding-DNA position 6975, T replaced by C.
Molecular consequence: intron variant.
Genome position (GRCh38, 1-based): chr11:108,326,231, T>C. VCF-style: chr11-108326231-T-C. GRCh37 (hg19) VCF-style: chr11-108196958-T-C.
Other names: c.6975+6T>C (NM_001351834.2); c.641-17160A>G (NM_001330368.2); c.*38+8989A>G (NM_001351110.2).
Identifiers: ClinVar variation 569019 (VCV000569019.8), dbSNP rs1169579742, ClinGen allele CA891842658.

ClinVar aggregate classification (germline): Uncertain significance. Review status: criteria provided, multiple submitters, no conflicts (2 of 4 stars). 3 submissions from 3 submitters: Uncertain significance (3). Last evaluated 2026-01-21.

Conditions:
Hereditary cancer-predisposing syndrome. Also called: Hereditary Cancer Syndrome; Neoplastic Syndromes, Hereditary; Tumor predisposition; Hereditary neoplastic syndrome. Identifiers: Orphanet 140162, MedGen C0027672, MeSH D009386, MONDO:0015356.
Ataxia-telangiectasia syndrome (AT). Also called: Cerebello-oculocutaneous telangiectasia; Immunodeficiency with ataxia telangiectasia; Ataxia-telangiectasia, complementation group E; Ataxia-telangiectasia, complementation group D; AT, COMPLEMENTATION GROUP C; ATAXIA-TELANGIECTASIA, COMPLEMENTATION GROUP A. Identifiers: Orphanet 100, MedGen C0004135, MONDO:0008840, OMIM 208900.

Allele frequency attached by ClinVar (database versions not stated): TOPMed below 0.00001.
gnomAD v4.1: 1 of 1,613,042 alleles (0.000062%); highest among the groups gnomAD compares: East Asian, 0.0022%; no homozygotes.

Submissions (3):

Labcorp Genetics (formerly Invitae), Labcorp
Classification: Uncertain significance for Ataxia-telangiectasia syndrome. Last evaluated: 2026-01-21. Review status: criteria provided, single submitter. Criteria: Invitae Variant Classification Sherloc (09022015). Collection method: clinical testing. Allele origin: germline.
Comment: This sequence change falls in intron 47 of the ATM gene. It does not directly change the encoded amino acid sequence of the ATM protein. It affects a nucleotide within the consensus splice site. This variant is not present in population databases (gnomAD no frequency). This variant has not been reported in the literature in individuals affected with ATM-related conditions. ClinVar contains an entry for this variant (Variation ID: 569019). Variants that disrupt the consensus splice site are a relatively common cause of aberrant splicing (PMID: 17576681, 9536098). RNA analysis performed to evaluate the impact of this variant on mRNA splicing indicates it does not significantly alter splicing (internal data). In summary, the available evidence is currently insufficient to determine the role of this variant in disease. Therefore, it has been classified as a Variant of Uncertain Significance.

GeneDx
Classification: Uncertain significance. Last evaluated: 2024-06-17. Review status: criteria provided, single submitter. Criteria: GeneDx Variant Classification Process June 2021. Collection method: clinical testing. Allele origin: germline. Affected: yes.
Comment: Not observed at significant frequency in large population cohorts (gnomAD); Has not been previously published as pathogenic or benign to our knowledge; In silico analysis is inconclusive as to whether the variant alters gene splicing. In the absence of RNA/functional studies, the actual effect of this sequence change is unknown.

Color Diagnostics, LLC DBA Color Health
Classification: Uncertain significance for Hereditary cancer-predisposing syndrome. Last evaluated: 2022-07-05. Review status: criteria provided, single submitter. Criteria: ACMG Guidelines, 2015. Collection method: clinical testing. Allele origin: germline.
Comment: This variant causes a T to C nucleotide substitution at the +6 position of intron 47 of the ATM gene. To our knowledge, functional studies have not been reported for this variant. This variant has not been reported in individuals affected with hereditary cancer in the literature. This variant has not been identified in the general population by the Genome Aggregation Database (gnomAD). The available evidence is insufficient to determine the role of this variant in disease conclusively. Therefore, this variant is classified as a Variant of Uncertain Significance.

Literature cited by the submitters: PubMed 17576681 (cited by Labcorp Genetics (formerly Invitae), Labcorp); PubMed 9536098 (cited by Labcorp Genetics (formerly Invitae), Labcorp).